The following is an entry in ClinVar:

NM_001122752.2(SERPINI1):c.898G>A (p.Glu300Lys)

Gene: SERPINI1 (serpin family I member 1; plus strand). Cytogenetic location: 3q26.1.
Variant type: single nucleotide variant.
Coding change: c.898G>A on transcript NM_001122752.2 (MANE Select); coding-DNA position 898, G replaced by A.
Protein change: p.Glu300Lys; replaces glutamic acid 300 with lysine.
Molecular consequence: missense variant.
Genome position (GRCh38, 1-based): chr3:167,807,260, G>A. VCF-style: chr3-167807260-G-A. GRCh37 (hg19) VCF-style: chr3-167525048-G-A.
Other names: c.898G>A, p.Glu300Lys (NM_005025.5); short protein forms E300K.
Identifiers: ClinVar variation 1019699 (VCV001019699.6), dbSNP rs1711680491, ClinGen allele CA355157394.

ClinVar aggregate classification (germline): Uncertain significance (1 of 4 stars; one submission).

Conditions:
Familial encephalopathy with neuroserpin inclusion bodies. Also called: ENCEPHALOPATHY, FAMILIAL, WITH COLLINS BODIES. Identifiers: Orphanet 85110, MedGen C1858680, MONDO:0011412, OMIM 604218.

Allele frequency attached by ClinVar (database versions not stated): gnomAD exomes below 0.00001; TOPMed below 0.00001.
gnomAD v4.1: 1 of 1,612,262 alleles (0.000062%); highest among the groups gnomAD compares: Non-Finnish European, 0.000085%; no homozygotes.

Submission:

Labcorp Genetics (formerly Invitae), Labcorp
Classification: Uncertain significance for Familial encephalopathy with neuroserpin inclusion bodies. Last evaluated: 2021-08-27. Review status: criteria provided, single submitter. Criteria: Invitae Variant Classification Sherloc (09022015). Collection method: clinical testing. Allele origin: germline.
Comment: This sequence change replaces glutamic acid with lysine at codon 300 of the SERPINI1 protein (p.Glu300Lys). The glutamic acid residue is highly conserved and there is a small physicochemical difference between glutamic acid and lysine. This variant is not present in population databases (ExAC no frequency). This variant has not been reported in the literature in individuals affected with SERPINI1-related conditions. Algorithms developed to predict the effect of missense changes on protein structure and function (SIFT, PolyPhen-2, Align-GVGD) all suggest that this variant is likely to be tolerated. In summary, the available evidence is currently insufficient to determine the role of this variant in disease. Therefore, it has been classified as a Variant of Uncertain Significance.